The following is an entry in ClinVar:

NM_004766.3(COPB2):c.2591T>C (p.Ile864Thr)

Gene: COPB2 (coat protein complex I subunit beta 2; minus strand). Cytogenetic location: 3q23.
Variant type: single nucleotide variant.
Coding change: c.2591T>C on transcript NM_004766.3 (MANE Select); coding-DNA position 2591, T replaced by C.
Protein change: p.Ile864Thr; replaces isoleucine 864 with threonine.
Molecular consequence: missense variant. On other transcripts: non-coding transcript variant (1).
Genome position (GRCh38, 1-based): chr3:139,358,234, A>G on the plus strand (T>C on the coding strand, the complement: COPB2 is on the minus strand). VCF-style: chr3-139358234-A-G. GRCh37 (hg19) VCF-style: chr3-139077076-A-G.
Other names: c.2504T>C, p.Ile835Thr (NM_001410834.1); c.2591T>C (NM_004766.2); short protein forms I835T, I864T.
Identifiers: ClinVar variation 2055211 (VCV002055211.5), dbSNP rs148124374, ClinGen allele CA2640979.

ClinVar aggregate classification (germline): Uncertain significance. Review status: criteria provided, multiple submitters, no conflicts (2 of 4 stars). 2 submissions from 2 submitters: Uncertain significance (2). Last evaluated 2025-01-19.

Conditions:
Inborn genetic diseases. Identifiers: MedGen C0950123, MeSH D030342.

Allele frequency attached by ClinVar (database versions not stated): TOPMed 0.00011; gnomAD 0.00007; gnomAD exomes 0.00001; ExAC 0.00001; ESP Exome Variant Server 0.00008.
gnomAD v4.1: 21 of 1,614,090 alleles (0.0013%); highest among the groups gnomAD compares: African/African-American, 0.023%; no homozygotes.

Submissions (2):

Ambry Genetics
Classification: Uncertain significance for Inborn genetic diseases. Last evaluated: 2025-01-19. Review status: criteria provided, single submitter. Criteria: Ambry Variant Classification Scheme 2023. Collection method: clinical testing. Allele origin: germline.

Labcorp Genetics (formerly Invitae), Labcorp
Classification: Uncertain significance. Last evaluated: 2022-01-18. Review status: criteria provided, single submitter. Criteria: Invitae Variant Classification Sherloc (09022015). Collection method: clinical testing. Allele origin: germline.
Comment: This sequence change replaces isoleucine, which is neutral and non-polar, with threonine, which is neutral and polar, at codon 864 of the COPB2 protein (p.Ile864Thr). This variant is present in population databases (rs148124374, gnomAD 0.01%). This variant has not been reported in the literature in individuals affected with COPB2-related conditions. Algorithms developed to predict the effect of missense changes on protein structure and function output the following: SIFT: "Tolerated"; PolyPhen-2: "Benign"; Align-GVGD: "Class C0". The threonine amino acid residue is found in multiple mammalian species, which suggests that this missense change does not adversely affect protein function. In summary, the available evidence is currently insufficient to determine the role of this variant in disease. Therefore, it has been classified as a Variant of Uncertain Significance.